The following is an entry in ClinVar:

NM_023110.3(FGFR1):c.1678A>G (p.Ile560Val)

Gene: FGFR1 (fibroblast growth factor receptor 1; minus strand). Cytogenetic location: 8p11.23.
Variant type: single nucleotide variant.
Coding change: c.1678A>G on transcript NM_023110.3 (MANE Select); coding-DNA position 1678, A replaced by G.
Protein change: p.Ile560Val; replaces isoleucine 560 with valine.
Molecular consequence: missense variant.
Genome position (GRCh38, 1-based): chr8:38,416,046, T>C on the plus strand (A>G on the coding strand, the complement: FGFR1 is on the minus strand). VCF-style: chr8-38416046-T-C. GRCh37 (hg19) VCF-style: chr8-38273564-T-C.
Other names: c.1672A>G, p.Ile558Val (NM_001174063.2, NM_001174065.2, NM_001354367.2 and 1 more transcripts); c.1648A>G, p.Ile550Val (NM_001174064.2); c.1411A>G, p.Ile471Val (NM_001174066.2, NM_023105.3); c.1771A>G, p.Ile591Val (NM_001174067.2); c.1399A>G, p.Ile467Val (NM_001354368.2); c.1666A>G, p.Ile556Val (NM_001354369.2); c.1405A>G, p.Ile469Val (NM_001354370.2, NM_023106.3); short protein forms I467V, I550V, I556V, I469V, I471V, I558V, I560V, I591V.
Identifiers: ClinVar variation 1402732 (VCV001402732.6), dbSNP rs2150591908, ClinGen allele CA370731899.
Genomic context (GRCh38, chr8:38,416,046, plus strand): 5'-CTGGGGGCCTCCGGGCCTGCAGGTACTCCCGCAGGTTGCCCTTGGAGGCATACTCCACGA[T>C]GACATACAAGGGACCTGCAGGCACAGGAGAAGAGGCCATGGGGCCAGCAGCAGGTGAGCA-3'
Protein context (NP_075598.2, residues 550-570): ACTQDGPLYV[Ile560Val]VEYASKGNLR

ClinVar aggregate classification (germline): Uncertain significance (1 of 4 stars; one submission).

Conditions:
Pfeiffer syndrome (ACS5). Also called: ACS V. Identifiers: Orphanet 710, MedGen C0220658, MONDO:0007043, OMIM 101600.
Hypogonadotropic hypogonadism 2 with or without anosmia (HH2). Also called: HYPOGONADOTROPIC HYPOGONADISM 2 WITHOUT ANOSMIA; HYPOGONADOTROPIC HYPOGONADISM 2 WITH OR WITHOUT ANOSMIA, SUSCEPTIBILITY TO; HYPOGONADOTROPIC HYPOGONADISM 2 WITHOUT ANOSMIA, SUSCEPTIBILITY TO; FGFR1-Related GnRH Deficiency (Kallmann Syndrome 2). Identifiers: Orphanet 478, MedGen C1563720, MONDO:0007844, OMIM 147950. Disease mechanism: loss of function.

Submission:

Labcorp Genetics (formerly Invitae), Labcorp
Classification: Uncertain significance for Pfeiffer syndrome; Hypogonadotropic hypogonadism 2 with or without anosmia. Last evaluated: 2022-08-16. Review status: criteria provided, single submitter. Criteria: Invitae Variant Classification Sherloc (09022015). Collection method: clinical testing. Allele origin: germline.
Comment: This variant has not been reported in the literature in individuals affected with FGFR1-related conditions. ClinVar contains an entry for this variant (Variation ID: 1402732). Algorithms developed to predict the effect of missense changes on protein structure and function (SIFT, PolyPhen-2, Align-GVGD) all suggest that this variant is likely to be tolerated. In summary, the available evidence is currently insufficient to determine the role of this variant in disease. Therefore, it has been classified as a Variant of Uncertain Significance. This variant is not present in population databases (gnomAD no frequency). This sequence change replaces isoleucine, which is neutral and non-polar, with valine, which is neutral and non-polar, at codon 560 of the FGFR1 protein (p.Ile560Val).